The following is an entry in ClinVar:

NM_175914.5(HNF4A):c.445G>A (p.Gly149Arg)

Gene: HNF4A (hepatocyte nuclear factor 4 alpha; plus strand). Cytogenetic location: 20q13.12.
Variant type: single nucleotide variant.
Coding change: c.445G>A on transcript NM_175914.5 (MANE Select); coding-DNA position 445, G replaced by A.
Protein change: p.Gly149Arg; replaces glycine 149 with arginine.
Molecular consequence: missense variant.
Genome position (GRCh38, 1-based): chr20:44,414,525, G>A. VCF-style: chr20-44414525-G-A. GRCh37 (hg19) VCF-style: chr20-43043165-G-A.
Other names: c.511G>A, p.Gly171Arg (NM_000457.6, NM_178849.3, NM_178850.3); c.445G>A, p.Gly149Arg (NM_001030003.3, NM_001030004.3); c.490G>A, p.Gly164Arg (NM_001258355.2); c.436G>A, p.Gly146Arg (NM_001287182.2, NM_001287183.2, NM_001287184.2); short protein forms G146R, G149R, G164R, G171R.
Identifiers: ClinVar variation 1338343 (VCV001338343.12), dbSNP rs747928745, ClinGen allele CA9870276.

ClinVar aggregate classification (germline): Uncertain significance. Review status: criteria provided, multiple submitters, no conflicts (2 of 4 stars). 4 submissions from 4 submitters: Uncertain significance (4). Last evaluated 2024-11-27.

Conditions:
Maturity-onset diabetes of the young type 1. Also called: MODY, type I; MODY type 1; Diabetes mellitus MODY type 1; MODY HNF4A related; HNF4A-Related Maturity-Onset Diabetes of the Young Type 1; MILD JUVENILE DIABETES MELLITUS. Identifiers: Orphanet 552, MedGen C1852093, MONDO:0007452, OMIM 125850. Disease mechanism: loss of function.
Type 2 diabetes mellitus. Also called: Type II diabetes mellitus. Identifiers: MedGen C0011860, MeSH D003924, MONDO:0005148, OMIM 125853, HP:0005978.
Fanconi renotubular syndrome 4 with maturity-onset diabetes of the young (FRTS4). Also called: FRTS4 WITH MODY. Identifiers: Orphanet 93111, MedGen C4014962, MONDO:0014458, OMIM 616026.

Allele frequency attached by ClinVar (database versions not stated): gnomAD exomes 0.00002 and 0.00004; ExAC 0.00004; gnomAD 0.00004 and 0.00005.

Submissions (4):

Labcorp Genetics (formerly Invitae), Labcorp
Classification: Uncertain significance. Last evaluated: 2024-11-27. Review status: criteria provided, single submitter. Criteria: Invitae Variant Classification Sherloc (09022015). Collection method: clinical testing. Allele origin: germline.
Comment: This sequence change replaces glycine, which is neutral and non-polar, with arginine, which is basic and polar, at codon 149 of the HNF4A protein (p.Gly149Arg). This variant is present in population databases (rs747928745, gnomAD 0.02%). This missense change has been observed in individual(s) with autosomal dominant familial hyperinsulinism (PMID: 23506826). This variant is also known as p.Gly171Arg. ClinVar contains an entry for this variant (Variation ID: 1338343). Invitae Evidence Modeling of protein sequence and biophysical properties (such as structural, functional, and spatial information, amino acid conservation, physicochemical variation, residue mobility, and thermodynamic stability) has been performed for this missense variant. However, the output from this modeling did not meet the statistical confidence thresholds required to predict the impact of this variant on HNF4A protein function. Algorithms developed to predict the effect of sequence changes on RNA splicing suggest that this variant may create or strengthen a splice site. In summary, the available evidence is currently insufficient to determine the role of this variant in disease. Therefore, it has been classified as a Variant of Uncertain Significance.

Fulgent Genetics
Classification: Uncertain significance for Maturity-onset diabetes of the young type 1; Type 2 diabetes mellitus; Fanconi renotubular syndrome 4 with maturity-onset diabetes of the young. Last evaluated: 2021-11-08. Review status: criteria provided, single submitter. Criteria: ACMG Guidelines, 2015. Collection method: clinical testing. Allele origin: unknown.

Genetic Services Laboratory, University of Chicago
Classification: Uncertain significance. Last evaluated: 2018-05-18. Review status: criteria provided, single submitter. Criteria: ACMG Guidelines, 2015. Collection method: clinical testing. Allele origin: germline. Affected: no.

Breakthrough Genomics
Classification: Uncertain significance. Review status: criteria provided, single submitter. Criteria: ACMG Guidelines, 2015. Collection method: not provided. Allele origin: germline. Inheritance: Autosomal dominant inheritance. Affected: yes.

Literature cited by the submitters: PubMed 23506826 (cited by Labcorp Genetics (formerly Invitae), Labcorp).